The following is an entry in ClinVar:

NC_000007.13:g.(?_107531696)_(107533743_?)del

Gene: DLD (dihydrolipoamide dehydrogenase; plus strand). Cytogenetic location: 7q31.1.
Variant type: Deletion.
Identifiers: ClinVar variation 3245827 (VCV003245827.1).

ClinVar aggregate classification (germline): Pathogenic (1 of 4 stars; one submission).

Conditions:
Pyruvate dehydrogenase E3 deficiency (DLDD). Also called: Dihydrolipoamide Dehydrogenase (E3) Deficiency; Dihydrolipoamide Dehydrogenase E3 Deficiency; Lipoamide dehydrogenase deficiency, lactic acidosis due to; Lipoamide dehydrogenase deficiency; DLD DEFICIENCY; E3 DEFICIENCY. Identifiers: Orphanet 2394, Orphanet 765, MedGen C5574660, MONDO:0009529, OMIM 246900.

Submission:

Labcorp Genetics (formerly Invitae), Labcorp
Classification: Pathogenic for Pyruvate dehydrogenase E3 deficiency. Last evaluated: 2023-04-26. Review status: criteria provided, single submitter. Criteria: Invitae Variant Classification Sherloc (09022015). Collection method: clinical testing. Allele origin: unknown.
Comment: For these reasons, this variant has been classified as Pathogenic. This variant has not been reported in the literature in individuals affected with DLD-related conditions. This variant is a gross deletion of the genomic region encompassing exon(s) 1-2 of the DLD gene, which includes the initiator codon. This deletion extends beyond the assayed region for this gene and therefore may encompass additional genes. It is expected to result in an absent or disrupted protein product. Loss-of-function variants in DLD are known to be pathogenic (PMID: 8968745, 9934985).

Literature cited by the submitters: PubMed 8968745; PubMed 9934985.